The following is an entry in ClinVar:

ClinVar aggregate classification (germline): Benign (1 of 4 stars; one submission).

Allele frequency attached by ClinVar (database versions not stated): gnomAD 0.74053 and 0.74093; TOPMed 0.74053; 1000 Genomes Project 30x 0.78810; 1000 Genomes Project 0.78934.

Submission:

GeneDx
Classification: Benign. Last evaluated: 2018-06-18. Review status: criteria provided, single submitter. Criteria: GeneDx Variant Classification (06012015). Collection method: clinical testing. Allele origin: germline. Affected: yes.
Comment: This variant is considered likely benign or benign based on one or more of the following criteria: it is a conservative change, it occurs at a poorly conserved position in the protein, it is predicted to be benign by multiple in silico algorithms, and/or has population frequency not consistent with disease.

NM_001165963.4(SCN1A):c.2416-256C>T

Gene: SCN1A (sodium voltage-gated channel alpha subunit 1; minus strand). Cytogenetic location: 2q24.3.
Variant type: single nucleotide variant.
Coding change: c.2416-256C>T on transcript NM_001165963.4 (MANE Select); 256 bases into the intron before coding-DNA position 2416, C replaced by T.
Molecular consequence: intron variant.
Genome position (GRCh38, 1-based): chr2:166,039,852, G>A on the plus strand (C>T on the coding strand, the complement: SCN1A is on the minus strand). VCF-style: chr2-166039852-G-A. GRCh37 (hg19) VCF-style: chr2-166896362-G-A.
Other names: c.2383-256C>T (NM_001353949.2, NM_001353950.2, NM_001353951.2 and 2 more transcripts); c.2332-256C>T (NM_001353958.2, NM_001353957.2, NM_001165964.3); c.2416-256C>T (NM_001202435.3, NM_001353948.2); c.2380-256C>T (NM_001353955.2, NM_001353954.2); c.2329-256C>T (NM_001353960.2); c.-27-256C>T (NM_001353961.2).
Identifiers: ClinVar variation 684229 (VCV000684229.1), dbSNP rs1019722, ClinGen allele CA11166030.